The following is an entry in ClinVar:

ClinVar aggregate classification (germline): Uncertain significance (1 of 4 stars; one submission).

Conditions:
Neuropathy, hereditary sensory and autonomic, type 2A (HSAN2A). Also called: WNK1-Related HSAN2 (HSAN2A); MORVAN DISEASE; NEUROPATHY, CONGENITAL SENSORY; NEUROPATHY, HEREDITARY SENSORY RADICULAR, AUTOSOMAL RECESSIVE; NEUROPATHY, HEREDITARY SENSORY, TYPE IIA; NEUROPATHY, PROGRESSIVE SENSORY, OF CHILDREN. Identifiers: Orphanet 970, MedGen C2752089, MONDO:0024309, OMIM 201300.
Generalized epilepsy with febrile seizures plus, type 7 (GEFSP7). Also called: GEFS+, TYPE 7. Identifiers: Orphanet 36387, MedGen C2751778, MONDO:0013470, OMIM 613863.

Allele frequency attached by ClinVar (database versions not stated): gnomAD exomes below 0.00001; TOPMed 0.00001.

Submission:

Labcorp Genetics (formerly Invitae), Labcorp
Classification: Uncertain significance for Neuropathy, hereditary sensory and autonomic, type 2A; Generalized epilepsy with febrile seizures plus, type 7. Last evaluated: 2025-03-10. Review status: criteria provided, single submitter. Criteria: Invitae Variant Classification Sherloc (09022015). Collection method: clinical testing. Allele origin: germline.
Comment: This sequence change replaces isoleucine, which is neutral and non-polar, with valine, which is neutral and non-polar, at codon 865 of the SCN9A protein (p.Ile865Val). This variant is present in population databases (no rsID available, gnomAD 0.0009%). This variant has not been reported in the literature in individuals affected with SCN9A-related conditions. ClinVar contains an entry for this variant (Variation ID: 648311). Invitae Evidence Modeling of protein sequence and biophysical properties (such as structural, functional, and spatial information, amino acid conservation, physicochemical variation, residue mobility, and thermodynamic stability) indicates that this missense variant is not expected to disrupt SCN9A protein function with a negative predictive value of 95%. In summary, the available evidence is currently insufficient to determine the role of this variant in disease. Therefore, it has been classified as a Variant of Uncertain Significance.

NM_001365536.1(SCN9A):c.2626A>G (p.Ile876Val)

Genes: SCN9A (sodium voltage-gated channel alpha subunit 9; minus strand), SCN1A-AS1 (SCN1A and SCN9A antisense RNA 1; plus strand). Cytogenetic location: 2q24.3.
Variant type: single nucleotide variant.
Coding change: c.2626A>G on transcript NM_001365536.1 (MANE Select); coding-DNA position 2626, A replaced by G.
Protein change: p.Ile876Val; replaces isoleucine 876 with valine.
Molecular consequence: missense variant. On other transcripts: non-coding transcript variant (1).
Genome position (GRCh38, 1-based): chr2:166,277,231, T>C on the plus strand (A>G on the coding strand, the complement: SCN9A is on the minus strand). VCF-style: chr2-166277231-T-C. GRCh37 (hg19) VCF-style: chr2-167133741-T-C.
Other names: c.2593A>G, p.Ile865Val (NM_002977.4); short protein forms I876V, I865V.
Identifiers: ClinVar variation 648311 (VCV000648311.9), dbSNP rs1417358362, ClinGen allele CA349077933.
Genomic context (GRCh38, chr2:166,277,231, plus strand): 5'-CACATTCTTTGTAGCTCTTACCAAAGAGCTGCATGCCGACCACAGCAAAAATGAAGACGA[T>C]GATGGCCAACACTAAGGTGAGGTTACCTAGAGCCCCTACTGAGTTACCAATGATCTTAAT-3'
Protein context (NP_001352465.1, residues 866-886): LGNLTLVLAI[Ile876Val]VFIFAVVGMQ